The following is an entry in ClinVar:

NM_015937.6(PIGT):c.1145C>T (p.Pro382Leu)

Gene: PIGT (phosphatidylinositol glycan anchor biosynthesis class T; plus strand). Cytogenetic location: 20q13.12.
Variant type: single nucleotide variant.
Coding change: c.1145C>T on transcript NM_015937.6 (MANE Select); coding-DNA position 1145, C replaced by T.
Protein change: p.Pro382Leu; replaces proline 382 with leucine.
Molecular consequence: missense variant. On other transcripts: non-coding transcript variant (5), intron variant (1).
Genome position (GRCh38, 1-based): chr20:45,421,494, C>T. VCF-style: chr20-45421494-C-T. GRCh37 (hg19) VCF-style: chr20-44050134-C-T.
Other names: c.977C>T, p.Pro326Leu (NM_001184728.3); c.839C>T, p.Pro280Leu (NM_001184730.3); c.1033+801C>T (NM_001184729.3); c.1145C>T (NM_015937.4); short protein forms P280L, P326L, P382L.
Identifiers: ClinVar variation 1810071 (VCV001810071.2), dbSNP rs769570009, ClinGen allele CA9878176.

ClinVar aggregate classification (germline): Uncertain significance. Review status: criteria provided, multiple submitters, no conflicts (2 of 4 stars). 2 submissions from 2 submitters: Uncertain significance (2). Last evaluated 2025-04-03.

Conditions:
Inborn genetic diseases. Identifiers: MedGen C0950123, MeSH D030342.

Allele frequency attached by ClinVar (database versions not stated): gnomAD 0.00003; TOPMed 0.00004; ExAC 0.00003.
gnomAD v4.1: 86 of 1,614,044 alleles (0.0053%); highest among the groups gnomAD compares: East Asian, 0.027%; no homozygotes.

Submissions (2):

Ambry Genetics
Classification: Uncertain significance for Inborn genetic diseases. Last evaluated: 2025-04-03. Review status: criteria provided, single submitter. Criteria: Ambry Variant Classification Scheme 2023. Collection method: clinical testing. Allele origin: germline.

GeneDx
Classification: Uncertain significance. Last evaluated: 2022-07-01. Review status: criteria provided, single submitter. Criteria: GeneDx Variant Classification Process June 2021. Collection method: clinical testing. Allele origin: germline. Affected: yes.
Comment: Not observed at significant frequency in large population cohorts (gnomAD); In silico analysis supports that this missense variant has a deleterious effect on protein structure/function; Has not been previously published as pathogenic or benign to our knowledge